The following is an entry in ClinVar:

NM_020975.6(RET):c.1894_1899del (p.Glu632_Leu633del)

Gene: RET (ret proto-oncogene; plus strand). Cytogenetic location: 10q11.21.
Variant type: Deletion.
Coding change: c.1894_1899del on transcript NM_020975.6 (MANE Select); coding-DNA positions 1894 to 1899, 6 bases deleted (GAGCTG; older notation c.1894_1899delGAGCTG).
Protein change: p.Glu632_Leu633del.
Molecular consequence: inframe deletion. On other transcripts: inframe indel (39).
Genome position (GRCh38, 1-based): chr10:43,114,494-43,114,499, GAGCTG deleted. VCF-style (leftmost placement, unchanged base first): chr10-43114493-CGAGCTG-C. GRCh37 (hg19) VCF-style: chr10-43609941-CGAGCTG-C.
Other names: c.1894_1899delGAGCTG, p.Glu632_Leu633del (NM_000323.2, NM_001406743.1, NM_001406744.1 and 5 more transcripts); c.1132_1137delGAGCTG, p.Glu378_Leu379del (NM_001355216.2); c.1765_1770delGAGCTG, p.Glu589_Leu590del (NM_001406761.1, NM_001406762.1, NM_001406764.1); c.1606_1611delGAGCTG, p.Glu536_Leu537del (NM_001406766.1, NM_001406767.1, NM_001406770.1); c.1498_1503delGAGCTG, p.Glu500_Leu501del (NM_001406769.1, NM_001406772.1); c.1456_1461delGAGCTG, p.Glu486_Leu487del (NM_001406771.1, NM_001406773.1); c.1369_1374delGAGCTG, p.Glu457_Leu458del (NM_001406774.1); c.1168_1173delGAGCTG, p.Glu390_Leu391del (NM_001406775.1, NM_001406776.1, NM_001406777.1 and 1 more transcripts); and 7 more.
Identifiers: ClinVar variation 376313 (VCV000376313.12), dbSNP rs121913312, ClinGen allele CA16602759.
Genomic context (GRCh38, chr10:43,114,493, plus strand): 5'-TGCCGAGCCTCTGGCGGTGCCAAGCCTCACACCACCCCCACCCACAGATCCACTGTGCGA[CGAGCTG>C]TGCCGCACGGTGATCGCAGCCGCTGTCCTCTTCTCCTTCATCGTCTCGGTGCTGCTGTCT-3'

ClinVar aggregate classification (germline): Uncertain significance (1 of 4 stars; one submission).

Conditions:
Multiple endocrine neoplasia, type 2 (MEN2). Identifiers: Orphanet 653, MedGen C4048306, MONDO:0019003. Disease mechanism: gain of function.

Submission:

Labcorp Genetics (formerly Invitae), Labcorp
Classification: Uncertain significance for Multiple endocrine neoplasia, type 2. Last evaluated: 2019-10-16. Review status: criteria provided, single submitter. Criteria: Invitae Variant Classification Sherloc (09022015). Collection method: clinical testing. Allele origin: germline.
Comment: This variant is not present in population databases (ExAC no frequency). This variant has not been reported in the literature in individuals with RET-related conditions. ClinVar contains an entry for this variant (Variation ID: 376313). This variant, c.1894_1899del, results in the deletion of 2 amino acids of the RET protein (p.Glu632_Leu633del), but otherwise preserves the integrity of the reading frame. Experimental studies and prediction algorithms are not available or were not evaluated, and the functional significance of this variant is currently unknown. In summary, the available evidence is currently insufficient to determine the role of this variant in disease. Therefore, it has been classified as a Variant of Uncertain Significance.